The following is an entry in ClinVar:

ClinVar aggregate classification (germline): Likely pathogenic (1 of 4 stars; one submission).

Conditions:
Osteogenesis imperfecta type I (OI1). Also called: OI, TYPE I; OSTEOGENESIS IMPERFECTA TARDA; OSTEOGENESIS IMPERFECTA WITH BLUE SCLERAE; Osteogenesis imperfecta type 1; Classic Non-deforming Osteogenesis Imperfecta with Blue Sclerae; Lobstein's Disease. Identifiers: Orphanet 216796, Orphanet 666, MedGen C0023931, MONDO:0008146, OMIM 166200. Disease mechanism: loss of function.
Ehlers-Danlos syndrome, classic type, 1 (EDSCL1). Also called: EDS I; EHLERS-DANLOS SYNDROME, GRAVIS TYPE; EHLERS-DANLOS SYNDROME, SEVERE CLASSIC TYPE; Ehlers-Danlos Syndrome, Classic Type, COL5A1-Related; Ehlers-Danlos syndrome, type 1. Identifiers: MedGen C0268335, MONDO:0019567, OMIM 130000.

Submission:

Labcorp Genetics (formerly Invitae), Labcorp
Classification: Likely pathogenic for Osteogenesis imperfecta type I; Ehlers-Danlos syndrome, classic type, 1. Last evaluated: 2023-08-30. Review status: criteria provided, single submitter. Criteria: Invitae Variant Classification Sherloc (09022015). Collection method: clinical testing. Allele origin: germline.
Comment: In summary, the currently available evidence indicates that the variant is pathogenic, but additional data are needed to prove that conclusively. Therefore, this variant has been classified as Likely Pathogenic. This variant disrupts the triple helix domain of COL1A2. Glycine residues within the Gly-Xaa-Yaa repeats of the triple helix domain are required for the structure and stability of fibrillar collagens (PMID: 7695699, 8218237, 19344236). In COL1A2, variants affecting these glycine residues are significantly enriched in individuals with disease (PMID: 9016532, 17078022) compared to the general population (ExAC). Advanced modeling of protein sequence and biophysical properties (such as structural, functional, and spatial information, amino acid conservation, physicochemical variation, residue mobility, and thermodynamic stability) performed at Invitae indicates that this missense variant is expected to disrupt COL1A2 protein function. ClinVar contains an entry for this variant (Variation ID: 661951). This variant has not been reported in the literature in individuals affected with COL1A2-related conditions. This variant is not present in population databases (gnomAD no frequency). This sequence change replaces glycine, which is neutral and non-polar, with valine, which is neutral and non-polar, at codon 100 of the COL1A2 protein (p.Gly100Val).

Literature cited by the submitters: PubMed 7695699; PubMed 8218237; PubMed 19344236; PubMed 9016532; PubMed 17078022.

NM_000089.4(COL1A2):c.299G>T (p.Gly100Val)

Gene: COL1A2 (collagen type I alpha 2 chain; plus strand). Cytogenetic location: 7q21.3.
Variant type: single nucleotide variant.
Coding change: c.299G>T on transcript NM_000089.4 (MANE Select); coding-DNA position 299, G replaced by T.
Protein change: p.Gly100Val; replaces glycine 100 with valine.
Molecular consequence: missense variant.
Genome position (GRCh38, 1-based): chr7:94,404,575, G>T. VCF-style: chr7-94404575-G-T. GRCh37 (hg19) VCF-style: chr7-94033887-G-T.
Other names: short protein forms G100V.
Identifiers: ClinVar variation 661951 (VCV000661951.12), dbSNP rs1584315950, ClinGen allele CA368219462.
Genomic context (GRCh38, chr7:94,404,575, plus strand): 5'-CTTATCAGTGCTAACTGTTGATATATCTGCTTTCTTTACAGGGCTTAATGGGACCTAGAG[G>T]CCCACCTGGTGCAGCTGGAGCCCCAGTAAGTACTGAAAGCTTGTAATGCCTCTTATGTAA-3'
Protein context (NP_000080.2, residues 90-110): PGPMGLMGPR[Gly100Val]PPGAAGAPGP